The following is an entry in ClinVar:

ClinVar aggregate classification (germline): Uncertain significance (1 of 4 stars; one submission).

Conditions:
Arterial tortuosity syndrome (ATORS). Identifiers: Orphanet 3342, MedGen C1859726, MONDO:0008818, OMIM 208050.

Submission:

Labcorp Genetics (formerly Invitae), Labcorp
Classification: Uncertain significance for Arterial tortuosity syndrome. Last evaluated: 2016-10-01. Review status: criteria provided, single submitter. Criteria: Invitae Variant Classification Sherloc (09022015). Collection method: clinical testing. Allele origin: germline.
Comment: This sequence change replaces phenylalanine with cysteine at codon 22 of the SLC2A10 protein (p.Phe22Cys). The phenylalanine residue is highly conserved and there is a large physicochemical difference between phenylalanine and cysteine. This variant is not present in population databases (ExAC no frequency) and has not been reported in the literature in individuals with a SLC2A10-related disease. Algorithms developed to predict the effect of missense changes on protein structure and function do not agree on the potential impact of this missense change (SIFT: "Deleterious"; PolyPhen-2: "Probably Damaging"; Align-GVGD: "Class C0"). In summary, this variant is a novel missense change with uncertain impact on protein function. It has been classified as a Variant of Uncertain Significance.

NM_030777.4(SLC2A10):c.65T>G (p.Phe22Cys)

Gene: SLC2A10 (solute carrier family 2 member 10; plus strand). Cytogenetic location: 20q13.12.
Variant type: single nucleotide variant.
Coding change: c.65T>G on transcript NM_030777.4 (MANE Select); coding-DNA position 65, T replaced by G.
Protein change: p.Phe22Cys; replaces phenylalanine 22 with cysteine.
Molecular consequence: missense variant.
Genome position (GRCh38, 1-based): chr20:46,725,101, T>G. VCF-style: chr20-46725101-T-G. GRCh37 (hg19) VCF-style: chr20-45353740-T-G.
Other names: short protein forms F22C.
Identifiers: ClinVar variation 409252 (VCV000409252.1), dbSNP rs1060502313, ClinGen allele CA16616226.